The following is an entry in ClinVar:

ClinVar aggregate classification (germline): Uncertain significance. Review status: criteria provided, multiple submitters, no conflicts (2 of 4 stars). 2 submissions from 2 submitters: Uncertain significance (2). Last evaluated 2023-12-11.

Conditions:
Ectodermal dysplasia and immunodeficiency 2. Identifiers: Orphanet 238468, Orphanet 98813, MedGen C2677481, MONDO:0012806, OMIM 612132.

Submissions (2):

Labcorp Genetics (formerly Invitae), Labcorp
Classification: Uncertain significance for Ectodermal dysplasia and immunodeficiency 2. Last evaluated: 2023-12-11. Review status: criteria provided, single submitter. Criteria: Invitae Variant Classification Sherloc (09022015). Collection method: clinical testing. Allele origin: germline.
Comment: This sequence change falls in intron 5 of the NFKBIA gene. It does not directly change the encoded amino acid sequence of the NFKBIA protein. It affects a nucleotide within the consensus splice site. This variant is not present in population databases (gnomAD no frequency). This variant has not been reported in the literature in individuals affected with NFKBIA-related conditions. ClinVar contains an entry for this variant (Variation ID: 636812). Variants that disrupt the consensus splice site are a relatively common cause of aberrant splicing (PMID: 17576681, 9536098). In summary, the available evidence is currently insufficient to determine the role of this variant in disease. Therefore, it has been classified as a Variant of Uncertain Significance.

Blueprint Genetics
Classification: Uncertain significance. Last evaluated: 2023-01-19. Review status: criteria provided, single submitter. Criteria: ACMG Guidelines, 2015. Collection method: clinical testing. Allele origin: germline.

Literature cited by the submitters: PubMed 17576681 (cited by Labcorp Genetics (formerly Invitae), Labcorp); PubMed 9536098 (cited by Labcorp Genetics (formerly Invitae), Labcorp).

NM_020529.3(NFKBIA):c.866_906+4dup

Gene: NFKBIA (NFKB inhibitor alpha; minus strand). Cytogenetic location: 14q13.2.
Variant type: Duplication.
Coding change: c.866_906+4dup on transcript NM_020529.3 (MANE Select); coding-DNA position 866 through 4 bases into the intron after coding-DNA position 906, 45 bases duplicated.
Molecular consequence: splice donor variant.
Genome position (GRCh38, 1-based): chr14:35,402,390-35,402,434, 45 bases duplicated. GRCh37 (hg19): chr14:35,871,596-35,871,640.
Identifiers: ClinVar variation 636812 (VCV000636812.5), dbSNP rs1594426262, ClinGen allele CA915948857.
Genomic context (GRCh38, chr14:35,402,389, plus strand): 5'-GGCCTGGGAGGGTGAAGGGAATGGCACCTCATTAGTTAGAGCGCCGAAGGAGTTCACAGA[C>CTCACCTCGTCCTCTGTGAACTCCGTGAACTCTGACTCTGTGTCAT]TCACCTCGTCCTCTGTGAACTCCGTGAACTCTGACTCTGTGTCATAGCTCTCCTCATCCT-3'